The following is an entry in ClinVar:

ClinVar aggregate classification (germline): Uncertain significance (1 of 4 stars; one submission).

Conditions:
Weaver syndrome (WVS). Also called: Weaver Smith syndrome; Overgrowth syndrome with accelerated skeletal maturation, unusual facies, and camptodactyly. Identifiers: Orphanet 3447, MedGen C0265210, MONDO:0010193, OMIM 277590.

Allele frequency attached by ClinVar (database versions not stated): gnomAD exomes below 0.00001.
gnomAD v4.1: 1 of 1,610,222 alleles (0.000062%); highest among the groups gnomAD compares: Non-Finnish European, 0.000085%; no homozygotes.

Submission:

Labcorp Genetics (formerly Invitae), Labcorp
Classification: Uncertain significance for Weaver syndrome. Last evaluated: 2022-09-17. Review status: criteria provided, single submitter. Criteria: Invitae Variant Classification Sherloc (09022015). Collection method: clinical testing. Allele origin: germline.
Comment: This sequence change replaces isoleucine, which is neutral and non-polar, with threonine, which is neutral and polar, at codon 146 of the EZH2 protein (p.Ile146Thr). This variant is not present in population databases (gnomAD no frequency). This variant has not been reported in the literature in individuals affected with EZH2-related conditions. Advanced modeling of protein sequence and biophysical properties (such as structural, functional, and spatial information, amino acid conservation, physicochemical variation, residue mobility, and thermodynamic stability) performed at Invitae indicates that this missense variant is not expected to disrupt EZH2 protein function. In summary, the available evidence is currently insufficient to determine the role of this variant in disease. Therefore, it has been classified as a Variant of Uncertain Significance.

NM_004456.5(EZH2):c.437T>C (p.Ile146Thr)

Gene: EZH2 (enhancer of zeste 2 polycomb repressive complex 2 subunit; minus strand). Cytogenetic location: 7q36.1.
Variant type: single nucleotide variant.
Coding change: c.437T>C on transcript NM_004456.5 (MANE Select); coding-DNA position 437, T replaced by C.
Protein change: p.Ile146Thr; replaces isoleucine 146 with threonine.
Molecular consequence: missense variant.
Genome position (GRCh38, 1-based): chr7:148,829,775, A>G on the plus strand (T>C on the coding strand, the complement: EZH2 is on the minus strand). VCF-style: chr7-148829775-A-G. GRCh37 (hg19) VCF-style: chr7-148526867-A-G.
Other names: c.437T>C, p.Ile146Thr (NM_001203247.2); c.410T>C, p.Ile137Thr (NM_001203248.2, NM_001203249.2); c.320T>C, p.Ile107Thr (NM_152998.3); short protein forms I137T, I107T, I146T.
Identifiers: ClinVar variation 2048579 (VCV002048579.4), dbSNP rs2129476940, ClinGen allele CA369721544.